The following is an entry in ClinVar:

ClinVar aggregate classification (germline): Benign/Likely benign. Review status: criteria provided, multiple submitters, no conflicts (2 of 4 stars). 8 submissions from 8 submitters: Benign (3); Likely benign (4). 1 of the submissions does not count toward it. Last evaluated 2025-08-18.

Conditions:
Congenital stationary night blindness 1B. Also called: NIGHT BLINDNESS, CONGENITAL STATIONARY, COMPLETE, AUTOSOMAL RECESSIVE; Night blindness, congenital stationary (complete), 1B, autosomal recessive. Identifiers: Orphanet 215, MedGen C1850362, MONDO:0009758, OMIM 257270.

Allele frequency attached by ClinVar (database versions not stated): 1000 Genomes Project 0.00260; 1000 Genomes Project 30x 0.00297; TOPMed 0.00693; ExAC 0.00733; gnomAD 0.00754 and 0.00766; gnomAD exomes 0.00779.
gnomAD v4.1: 14,223 of 1,614,046 alleles (0.88%); highest among the groups gnomAD compares: Non-Finnish European, 0.98%; 88 homozygotes.

Submissions (8):

Genomic Medicine Center of Excellence, King Faisal Specialist Hospital and Research Centre
Classification: Likely benign. Last evaluated: 2025-08-18. Review status: criteria provided, single submitter. Criteria: ACMG Guidelines, 2015. Collection method: clinical testing. Allele origin: germline.

Blueprint Genetics
Classification: Likely benign. Last evaluated: 2024-11-21. Review status: criteria provided, single submitter. Criteria: ACMG Guidelines, 2015. Collection method: clinical testing. Allele origin: germline.

CeGaT Center for Human Genetics Tuebingen
Classification: Benign. Last evaluated: 2023-08-01. Review status: criteria provided, single submitter. Criteria: CeGaT Center For Human Genetics Tuebingen Variant Classification Criteria Version 2. Collection method: clinical testing. Allele origin: germline. Affected: yes. Observed: 2 variant alleles.
Comment: GRM6: BP4, BS1, BS2

Labcorp Genetics (formerly Invitae), Labcorp
Classification: Benign. Last evaluated: 2019-12-31. Review status: criteria provided, single submitter. Criteria: Invitae Variant Classification Sherloc (09022015). Collection method: clinical testing. Allele origin: germline.

Clinical Genetics DNA and cytogenetics Diagnostics Lab, Erasmus MC, Erasmus Medical Center
Classification: Likely benign for Congenital stationary night blindness 1B. Last evaluated: 2015-09-22. Review status: criteria provided, single submitter. Criteria: ACGS Guidelines, 2013. Collection method: clinical testing. Allele origin: germline. Affected: yes. Study: VKGL Data-share Consensus.

Eurofins Ntd Llc (ga)
Classification: Benign. Last evaluated: 2014-11-23. Review status: criteria provided, single submitter. Criteria: EGL Classification Definitions 2015. Collection method: clinical testing. Allele origin: germline.

Breakthrough Genomics
Classification: Likely benign. Review status: criteria provided, single submitter. Criteria: ACMG Guidelines, 2015. Collection method: not provided. Allele origin: germline. Inheritance: Autosomal recessive inheritance. Affected: yes.

Clinical Genetics, Academic Medical Center
Classification: Benign. Review status: no assertion criteria provided. Collection method: clinical testing. Allele origin: germline. Affected: yes. Study: VKGL Data-share Consensus. Not counted in ClinVar's aggregate classification.

NM_000843.4(GRM6):c.1307C>T (p.Thr436Ile)

Genes: GRM6 (glutamate metabotropic receptor 6; minus strand), ZNF454 (zinc finger protein 454; plus strand). Cytogenetic location: 5q35.3.
Variant type: single nucleotide variant.
Coding change: c.1307C>T on transcript NM_000843.4 (MANE Select); coding-DNA position 1307, C replaced by T.
Protein change: p.Thr436Ile; replaces threonine 436 with isoleucine.
Molecular consequence: missense variant.
Genome position (GRCh38, 1-based): chr5:178,988,982, G>A on the plus strand (C>T on the coding strand, the complement: GRM6 is on the minus strand). VCF-style: chr5-178988982-G-A. GRCh37 (hg19) VCF-style: chr5-178415983-G-A.
Other names: short protein forms T436I.
Identifiers: ClinVar variation 198107 (VCV000198107.40), dbSNP rs5019554, ClinGen allele CA203245.